The following is an entry in ClinVar:

NM_022437.3(ABCG8):c.-33G>A

Genes: ABCG5 (ATP binding cassette subfamily G member 5; minus strand), ABCG8 (ATP binding cassette subfamily G member 8; plus strand). Cytogenetic location: 2p21.
Variant type: single nucleotide variant.
Coding change: c.-33G>A on transcript NM_022437.3 (MANE Select); 33 bases upstream of the start codon, G replaced by A.
Molecular consequence: 5 prime UTR variant.
Genome position (GRCh38, 1-based): chr2:43,839,021, G>A. VCF-style: chr2-43839021-G-A. GRCh37 (hg19) VCF-style: chr2-44066160-G-A.
Other names: c.-33G>A (NM_001357321.2).
Identifiers: ClinVar variation 3036981 (VCV003036981.2), dbSNP rs949812412, ClinGen allele CA46426745.

ClinVar aggregate classification (germline): Likely benign (0 of 4 stars; one submission).

Conditions:
ABCG8-related disorder. Also called: ABCG8-related condition.

Allele frequency attached by ClinVar (database versions not stated): TOPMed 0.00003; gnomAD 0.00004; gnomAD exomes 0.00007.
gnomAD v4.1: 104 of 1,549,172 alleles (0.0067%); highest among the groups gnomAD compares: Non-Finnish European, 0.009%; no homozygotes.

Submission:

PreventionGenetics, part of Exact Sciences
Classification: Likely benign for ABCG8-related condition. Last evaluated: 2024-01-17. Review status: no assertion criteria provided. Collection method: clinical testing. Allele origin: germline.
Comment: This variant is classified as likely benign based on ACMG/AMP sequence variant interpretation guidelines (Richards et al. 2015 PMID: 25741868, with internal and published modifications).